The following is an entry in ClinVar:

ClinVar aggregate classification (germline): Uncertain significance (1 of 4 stars; one submission).

Conditions:
MEGF8-related Carpenter syndrome. Also called: Carpenter syndrome 2. Identifiers: Orphanet 65759, MedGen C3554247, MONDO:0013998, OMIM 614976.

Allele frequency attached by ClinVar (database versions not stated): gnomAD 0.00001; gnomAD exomes 0.00001 and 0.00002; ExAC 0.00002; TOPMed 0.00002.
gnomAD v4.1: 9 of 1,613,870 alleles (0.00056%); highest among the groups gnomAD compares: Admixed American, 0.0083%; no homozygotes.

Submission:

Labcorp Genetics (formerly Invitae), Labcorp
Classification: Uncertain significance for MEGF8-related Carpenter syndrome. Last evaluated: 2021-04-04. Review status: criteria provided, single submitter. Criteria: Invitae Variant Classification Sherloc (09022015). Collection method: clinical testing. Allele origin: germline.
Comment: In summary, the available evidence is currently insufficient to determine the role of this variant in disease. Therefore, it has been classified as a Variant of Uncertain Significance. Algorithms developed to predict the effect of missense changes on protein structure and function output the following: SIFT: "Tolerated"; PolyPhen-2: "Benign"; Align-GVGD: "Class C0". The glutamine amino acid residue is found in multiple mammalian species, suggesting that this missense change does not adversely affect protein function. These predictions have not been confirmed by published functional studies and their clinical significance is uncertain. This variant has not been reported in the literature in individuals with MEGF8-related conditions. This variant is present in population databases (rs758585947, ExAC 0.01%). This sequence change replaces arginine with glutamine at codon 95 of the MEGF8 protein (p.Arg95Gln). The arginine residue is weakly conserved and there is a small physicochemical difference between arginine and glutamine.

NM_001271938.2(MEGF8):c.284G>A (p.Arg95Gln)

Gene: MEGF8 (multiple EGF like domains 8; plus strand). Cytogenetic location: 19q13.2.
Variant type: single nucleotide variant.
Coding change: c.284G>A on transcript NM_001271938.2 (MANE Select); coding-DNA position 284, G replaced by A.
Protein change: p.Arg95Gln; replaces arginine 95 with glutamine.
Molecular consequence: missense variant.
Genome position (GRCh38, 1-based): chr19:42,333,701, G>A. VCF-style: chr19-42333701-G-A. GRCh37 (hg19) VCF-style: chr19-42837853-G-A.
Other names: c.284G>A, p.Arg95Gln (NM_001410.3); short protein forms R95Q.
Identifiers: ClinVar variation 1441755 (VCV001441755.8), dbSNP rs758585947, ClinGen allele CA9474110.
Genomic context (GRCh38, chr19:42,333,701, plus strand): 5'-TTTTCCTGGACACAGAGTGCACGTATGACTACCTGTTCGTGTATGACGGTGACTCCCCGC[G>A]AGGGCCGCTGCTTGCCAGTCTAAGTGGGAGCACCCGACCTCCGCCCATCGAAGCTTCCTC-3'
Protein context (NP_001258867.1, residues 85-105): YLFVYDGDSP[Arg95Gln]GPLLASLSGS